The following is an entry in ClinVar:

NM_000258.3(MYL3):c.350T>C (p.Met117Thr)

Gene: MYL3 (myosin light chain 3; minus strand). Cytogenetic location: 3p21.31.
Variant type: single nucleotide variant.
Coding change: c.350T>C on transcript NM_000258.3 (MANE Select); coding-DNA position 350, T replaced by C.
Protein change: p.Met117Thr; replaces methionine 117 with threonine.
Molecular consequence: missense variant.
Genome position (GRCh38, 1-based): chr3:46,859,606, A>G on the plus strand (T>C on the coding strand, the complement: MYL3 is on the minus strand). VCF-style: chr3-46859606-A-G. GRCh37 (hg19) VCF-style: chr3-46901096-A-G.
Other names: c.350T>C (NM_000258.2); short protein forms M117T.
Identifiers: ClinVar variation 1370289 (VCV001370289.9), dbSNP rs1353091311, ClinGen allele CA352496566.

ClinVar aggregate classification (germline): Uncertain significance. Review status: criteria provided, single submitter (1 of 4 stars). 2 submissions from 2 submitters: Uncertain significance (1). 1 of the submissions does not count toward it. Last evaluated 2025-08-06.

Conditions:
Hypertrophic cardiomyopathy. Also called: HYPERTROPHIC MYOCARDIOPATHY. Identifiers: Orphanet 217569, MedGen C0007194, MeSH D002312, MONDO:0005045, HP:0001639.
MYL3-related disorder. Also called: MYL3-related condition.

Allele frequency attached by ClinVar (database versions not stated): TOPMed below 0.00001; gnomAD 0.00001.

Submissions (2):

Labcorp Genetics (formerly Invitae), Labcorp
Classification: Uncertain significance for Hypertrophic cardiomyopathy. Last evaluated: 2025-08-06. Review status: criteria provided, single submitter. Criteria: Invitae Variant Classification Sherloc (09022015). Collection method: clinical testing. Allele origin: germline.
Comment: This sequence change replaces methionine, which is neutral and non-polar, with threonine, which is neutral and polar, at codon 117 of the MYL3 protein (p.Met117Thr). This variant is not present in population databases (gnomAD no frequency). This variant has not been reported in the literature in individuals affected with MYL3-related conditions. ClinVar contains an entry for this variant (Variation ID: 1370289). An algorithm developed to predict the effect of missense changes on protein structure and function (PolyPhen-2) suggests that this variant is likely to be tolerated. In summary, the available evidence is currently insufficient to determine the role of this variant in disease. Therefore, it has been classified as a Variant of Uncertain Significance.

PreventionGenetics, part of Exact Sciences
Classification: Uncertain significance for MYL3-related condition. Last evaluated: 2024-03-28. Review status: no assertion criteria provided. Collection method: clinical testing. Allele origin: germline. Not counted in ClinVar's aggregate classification.
Comment: The MYL3 c.350T>C variant is predicted to result in the amino acid substitution p.Met117Thr. To our knowledge, this variant has not been reported in the literature or in a large population database, indicating this variant is rare. At this time, the clinical significance of this variant is uncertain due to the absence of conclusive functional and genetic evidence.